The following is an entry in ClinVar:

NM_001013838.3(CARMIL2):c.1131C>T (p.Thr377=)

Gene: CARMIL2 (capping protein regulator and myosin 1 linker 2; plus strand). Cytogenetic location: 16q22.1.
Variant type: single nucleotide variant.
Coding change: c.1131C>T on transcript NM_001013838.3 (MANE Select); coding-DNA position 1131, C replaced by T.
Protein change: p.Thr377=; no amino-acid change (threonine 377 retained).
Molecular consequence: synonymous variant.
Genome position (GRCh38, 1-based): chr16:67,648,111, C>T. VCF-style: chr16-67648111-C-T. GRCh37 (hg19) VCF-style: chr16-67682014-C-T.
Other names: c.1131C>T, p.Thr377= (NM_001317026.3).
Identifiers: ClinVar variation 1563131 (VCV001563131.31), dbSNP rs369718894, ClinGen allele CA8113349.

ClinVar aggregate classification (germline): Likely benign. Review status: criteria provided, multiple submitters, no conflicts (2 of 4 stars). 4 submissions from 4 submitters: Likely benign (4). Last evaluated 2026-01-30.

Allele frequency attached by ClinVar (database versions not stated): gnomAD exomes 0.00008; TOPMed 0.00009; ExAC 0.00010; gnomAD 0.00012 and 0.00013; ESP Exome Variant Server 0.00016.
gnomAD v4.1: 138 of 1,612,728 alleles (0.0086%); highest among the groups gnomAD compares: Non-Finnish European, 0.011%; no homozygotes.

Submissions (4):

Labcorp Genetics (formerly Invitae), Labcorp
Classification: Likely benign. Last evaluated: 2026-01-30. Review status: criteria provided, single submitter. Criteria: Invitae Variant Classification Sherloc (09022015). Collection method: clinical testing. Allele origin: germline.

CeGaT Center for Human Genetics Tuebingen
Classification: Likely benign. Last evaluated: 2025-11-01. Review status: criteria provided, single submitter. Criteria: CeGaT Center For Human Genetics Tuebingen Variant Classification Criteria Version 2. Collection method: clinical testing. Allele origin: germline. Affected: yes. Observed: 2 variant alleles.
Comment: CARMIL2: BP4, BP7

Blueprint Genetics
Classification: Likely benign. Last evaluated: 2024-06-26. Review status: criteria provided, single submitter. Criteria: ACMG Guidelines, 2015. Collection method: clinical testing. Allele origin: germline.

Breakthrough Genomics
Classification: Likely benign. Review status: criteria provided, single submitter. Criteria: ACMG Guidelines, 2015. Collection method: not provided. Allele origin: germline. Inheritance: Autosomal recessive inheritance. Affected: yes.